The following is an entry in ClinVar:

ClinVar aggregate classification (germline): Uncertain significance. Review status: criteria provided, multiple submitters, no conflicts (2 of 4 stars). 2 submissions from 2 submitters: Uncertain significance (2). Last evaluated 2024-03-25.

Allele frequency attached by ClinVar (database versions not stated): ExAC 0.00006; TOPMed 0.00007; gnomAD 0.00015; 1000 Genomes Project 0.00060; 1000 Genomes Project 30x 0.00062.
gnomAD v4.1: 58 of 1,614,120 alleles (0.0036%); highest among the groups gnomAD compares: African/African-American, 0.036%; no homozygotes.

Submissions (2):

GeneDx
Classification: Uncertain significance. Last evaluated: 2024-03-25. Review status: criteria provided, single submitter. Criteria: GeneDx Variant Classification Process June 2021. Collection method: clinical testing. Allele origin: germline. Affected: yes.
Comment: In silico analysis supports that this missense variant has a deleterious effect on protein structure/function; Has not been previously published as pathogenic or benign to our knowledge

Labcorp Genetics (formerly Invitae), Labcorp
Classification: Uncertain significance. Last evaluated: 2023-10-11. Review status: criteria provided, single submitter. Criteria: Invitae Variant Classification Sherloc (09022015). Collection method: clinical testing. Allele origin: germline.
Comment: This sequence change replaces arginine, which is basic and polar, with glutamine, which is neutral and polar, at codon 1390 of the VPS13D protein (p.Arg1390Gln). This variant is present in population databases (rs555254469, gnomAD 0.02%). This variant has not been reported in the literature in individuals affected with VPS13D-related conditions. ClinVar contains an entry for this variant (Variation ID: 2143450). Advanced modeling of protein sequence and biophysical properties (such as structural, functional, and spatial information, amino acid conservation, physicochemical variation, residue mobility, and thermodynamic stability) performed at Invitae indicates that this missense variant is not expected to disrupt VPS13D protein function. In summary, the available evidence is currently insufficient to determine the role of this variant in disease. Therefore, it has been classified as a Variant of Uncertain Significance.

NM_015378.4(VPS13D):c.4169G>A (p.Arg1390Gln)

Gene: VPS13D (vacuolar protein sorting 13 homolog D; plus strand). Cytogenetic location: 1p36.22.
Variant type: single nucleotide variant.
Coding change: c.4169G>A on transcript NM_015378.4 (MANE Select); coding-DNA position 4169, G replaced by A.
Protein change: p.Arg1390Gln; replaces arginine 1390 with glutamine.
Molecular consequence: missense variant.
Genome position (GRCh38, 1-based): chr1:12,277,757, G>A. VCF-style: chr1-12277757-G-A. GRCh37 (hg19) VCF-style: chr1-12337814-G-A.
Other names: c.4169G>A, p.Arg1390Gln (NM_018156.4); c.4169G>A (NM_015378.3); short protein forms R1390Q.
Identifiers: ClinVar variation 2143450 (VCV002143450.4), dbSNP rs555254469, ClinGen allele CA602082.